The following is an entry in ClinVar:

ClinVar aggregate classification (germline): Uncertain significance (1 of 4 stars; one submission).

Conditions:
IQSEC2-related disorder. Also called: IQSEC2-related condition.

Submission:

PreventionGenetics, part of Exact Sciences
Classification: Uncertain significance for IQSEC2-related condition. Last evaluated: 2026-09-21. Review status: criteria provided, single submitter. Criteria: ACMG Guidelines, 2015. Collection method: clinical testing. Allele origin: germline.
Comment: The IQSEC2 c.3823C>T variant is predicted to result in the amino acid substitution p.Pro1275Ser. To our knowledge, this variant has not been reported in the literature or in a large population database (gnomAD), indicating this variant is rare. At this time, the clinical significance of this variant is uncertain due to the absence of conclusive functional and genetic evidence.

NM_001111125.3(IQSEC2):c.3823C>T (p.Pro1275Ser)

Gene: IQSEC2 (IQ motif and Sec7 domain ArfGEF 2; minus strand). Cytogenetic location: Xp11.22.
Variant type: single nucleotide variant.
Coding change: c.3823C>T on transcript NM_001111125.3 (MANE Select); coding-DNA position 3823, C replaced by T.
Protein change: p.Pro1275Ser; replaces proline 1275 with serine.
Molecular consequence: missense variant. On other transcripts: 3 prime UTR variant (4), intron variant (2).
Genome position (GRCh38, 1-based): chrX:53,234,863, G>A on the plus strand (C>T on the coding strand, the complement: IQSEC2 is on the minus strand). VCF-style: chrX-53234863-G-A. GRCh37 (hg19) VCF-style: chrX-53264045-G-A.
Other names: c.*308C>T (NM_001410736.1, NM_001441093.1, NM_001441094.1 and 1 more transcripts); c.3451+1459C>T (NM_001441092.1); c.2740+1459C>T (NM_001441095.1); short protein forms P1275S.
Identifiers: ClinVar variation 4996566 (VCV004996566.1).
Genomic context (GRCh38, chrX:53,234,863, plus strand): 5'-GGGGAGGTGGGGGAAGAGAGGGCTGCTGGGGTGGGAGGTAGGGTGGCGGGGCAGGGCCCG[G>A]TCCTTGGCAATACTGGGCATGCAGGGCCTGGAGCTTGGACTGCCCATCAGGCAGCACCCC-3'
Protein context (NP_001104595.1, residues 1265-1285): QALHAQYCQG[Pro1275Ser]GPAPPPYLPP